The following is an entry in ClinVar:

NM_015274.3(MAN2B2):c.2648del (p.Pro883fs)

Gene: MAN2B2 (mannosidase alpha class 2B member 2; plus strand). Cytogenetic location: 4p16.1.
Variant type: Deletion.
Coding change: c.2648del on transcript NM_015274.3 (MANE Select); coding-DNA position 2648, one base deleted (C; older notation c.2648delC).
Protein change: p.Pro883fs; shifts the reading frame from proline 883.
Molecular consequence: frameshift variant.
Genome position (GRCh38, 1-based): chr4:6,614,302, C deleted; the last of 3 consecutive C bases (chr4:6,614,300-6,614,302); deleting any one gives the same sequence. VCF-style (leftmost placement, unchanged base first): chr4-6614299-TC-T. GRCh37 (hg19) VCF-style: chr4-6616026-TC-T.
Other names: c.2495del, p.Pro832fs (NM_001292038.2); c.2648delC (NM_015274.3); short protein forms P832fs, P883fs.
Identifiers: ClinVar variation 4688851 (VCV004688851.1).
Genomic context (GRCh38, chr4:6,614,299, plus strand): 5'-GACCCCAGCAGCAAGAGGCCGTGACGCTGCCCCCGAATCTTCACCTGCAGATCCTGAGCA[TC>T]CCTGGCTGGCGCTACAGCTCCAACCACACGGAGCACTCTCAGAATCTCCGGAAAGGTGAG-3'

ClinVar aggregate classification (germline): Uncertain significance (1 of 4 stars; one submission).

Submission:

Women's Health and Genetics/Laboratory Corporation of America, LabCorp
Classification: Uncertain significance. Last evaluated: 2025-12-31. Review status: criteria provided, single submitter. Criteria: LabCorp Variant Classification Summary - May 2015. Collection method: clinical testing. Allele origin: germline.
Comment: Variant summary: MAN2B2 c.2648delC (p.Pro883LeufsX51) results in a premature termination codon, predicted to cause absence of the protein due to nonsense mediated decay, however current evidence is not sufficient to establish loss of function as a mechanism for disease. The variant allele was found at a frequency of 2e-05 in 251370 control chromosomes (gnomAD). The available data on variant occurrences in the general population are insufficient to allow any conclusion about variant significance. To our knowledge, no occurrence of c.2648delC in individuals affected with MAN2B2-related conditions and no experimental evidence demonstrating its impact on protein function have been reported. No submitters have cited clinical-significance assessments for this variant to ClinVar. Based on the evidence outlined above, the variant was classified as uncertain significance.